The following is an entry in ClinVar:

NM_001366385.1(CARD14):c.349+5G>C

Gene: CARD14 (caspase recruitment domain family member 14; plus strand). Cytogenetic location: 17q25.3.
Variant type: single nucleotide variant.
Coding change: c.349+5G>C on transcript NM_001366385.1 (MANE Select); 5 bases into the intron after coding-DNA position 349, G replaced by C.
Molecular consequence: intron variant.
Genome position (GRCh38, 1-based): chr17:80,182,795, G>C. VCF-style: chr17-80182795-G-C. GRCh37 (hg19) VCF-style: chr17-78156594-G-C.
Other names: c.349+5G>C (NM_024110.4, NM_001257970.1).
Identifiers: ClinVar variation 684674 (VCV000684674.2), dbSNP rs587777763, ClinGen allele CA915952236.

ClinVar aggregate classification (germline): Uncertain significance. Review status: criteria provided, single submitter (1 of 4 stars). 2 submissions from 2 submitters: Uncertain significance (1). 1 of the submissions does not count toward it.

Conditions:
Papulosquamous eruptions.
Pityriasis rubra pilaris (PRP). Also called: Pityriasis rubra pilaris--familial type. Identifiers: Orphanet 2897, MedGen C0032027, MONDO:0100017, OMIM 173200, MONDO:0008251.

Submissions (2):

3billion
Classification: Uncertain significance for Pityriasis rubra pilaris. Review status: criteria provided, single submitter. Criteria: ACMG Guidelines, 2015. Collection method: clinical testing. Allele origin: unknown. Affected: yes. Observed: 1 heterozygote.
Comment: The variant is not observed in the gnomAD v2.1.1 dataset. Intron variant. In silico tools predict the variant to alter splicing and produce an abnormal transcript (SpliceAI: 0.92). The variant has been reported to be associated with CARD14 related disorder (ClinVar ID: VCV000684674 / PMID: 29477734). However, the evidence of pathogenicity is insufficient at this time. Therefore, this variant is classified as Uncertain significance according to the recommendation of ACMG/AMP guideline.

Yale Center for Mendelian Genomics, Yale University
Classification: Pathogenic for Papulosquamous eruptions. Last evaluated: 2018-03-01. Review status: no assertion criteria provided. Collection method: literature only. Allele origin: germline. Affected: yes. Observed: 1 heterozygote. Not counted in ClinVar's aggregate classification.

Literature cited by the submitters: PubMed 29477734 (cited by 3billion and Yale Center for Mendelian Genomics, Yale University).